The following is an entry in ClinVar:

ClinVar aggregate classification (germline): Conflicting classifications of pathogenicity. Review status: criteria provided, conflicting classifications (1 of 4 stars). 5 submissions from 5 submitters: Uncertain significance (4); Likely benign (1). Last evaluated 2025-09-17.

Conditions:
Hereditary cancer-predisposing syndrome. Also called: Tumor predisposition; Hereditary Cancer Syndrome; Neoplastic Syndromes, Hereditary; Hereditary neoplastic syndrome. Identifiers: Orphanet 140162, MedGen C0027672, MeSH D009386, MONDO:0015356.
Familial adenomatous polyposis 1 (FAP1). Also called: POLYPOSIS, ADENOMATOUS INTESTINAL; FAMILIAL ADENOMATOUS POLYPOSIS 1, ATTENUATED. Identifiers: MedGen C2713442, MONDO:0021056, OMIM 175100. Disease mechanism: loss of function.
Classic or attenuated familial adenomatous polyposis. Identifiers: MedGen CN372698, MONDO:0021057.

Allele frequency attached by ClinVar (database versions not stated): gnomAD below 0.00001 and 0.00001; gnomAD exomes below 0.00001; TOPMed below 0.00001; ExAC 0.00001.
gnomAD v4.1: 6 of 1,602,792 alleles (0.00037%); highest among the groups gnomAD compares: South Asian, 0.0045%; no homozygotes.

Submissions (5):

Color Diagnostics, LLC DBA Color Health
Classification: Likely benign for Hereditary cancer-predisposing syndrome. Last evaluated: 2025-09-17. Review status: criteria provided, single submitter. Criteria: ACMG Guidelines, 2015. Collection method: clinical testing. Allele origin: germline.

Blueprint Genetics
Classification: Uncertain significance. Last evaluated: 2024-05-31. Review status: criteria provided, single submitter. Criteria: ACMG Guidelines, 2015. Collection method: clinical testing. Allele origin: germline.

Labcorp Genetics (formerly Invitae), Labcorp
Classification: Uncertain significance for Familial adenomatous polyposis 1. Last evaluated: 2024-04-15. Review status: criteria provided, single submitter. Criteria: Invitae Variant Classification Sherloc (09022015). Collection method: clinical testing. Allele origin: germline.
Comment: This sequence change replaces aspartic acid, which is acidic and polar, with histidine, which is basic and polar, at codon 149 of the APC protein (p.Asp149His). The frequency data for this variant in the population databases is considered unreliable, as metrics indicate poor data quality at this position in the gnomAD database. This variant has not been reported in the literature in individuals affected with APC-related conditions. ClinVar contains an entry for this variant (Variation ID: 485141). Advanced modeling of protein sequence and biophysical properties (such as structural, functional, and spatial information, amino acid conservation, physicochemical variation, residue mobility, and thermodynamic stability) performed at Invitae indicates that this missense variant is not expected to disrupt APC protein function with a negative predictive value of 95%. In summary, the available evidence is currently insufficient to determine the role of this variant in disease. Therefore, it has been classified as a Variant of Uncertain Significance.

Ambry Genetics
Classification: Uncertain significance for Hereditary cancer-predisposing syndrome. Last evaluated: 2023-10-05. Review status: criteria provided, single submitter. Criteria: Ambry Variant Classification Scheme 2023. Collection method: clinical testing. Allele origin: germline.
Comment: The p.D149H variant (also known as c.445G>C), located in coding exon 4 of the APC gene, results from a G to C substitution at nucleotide position 445. The aspartic acid at codon 149 is replaced by histidine, an amino acid with similar properties. This amino acid position is not well conserved in available vertebrate species. In addition, in silico predictors for this gene do not accurately predict pathogenicity. Since supporting evidence is limited at this time, the clinical significance of this alteration remains unclear.

All of Us Research Program, National Institutes of Health
Classification: Uncertain significance for Classic or attenuated familial adenomatous polyposis. Last evaluated: 2023-09-17. Review status: criteria provided, single submitter. Criteria: ACMG Guidelines, 2015. Collection method: clinical testing. Allele origin: germline. Inheritance: Autosomal dominant inheritance. Observed: 1 variant allele, 1 heterozygote.
Comment: This missense variant replaces aspartic acid with histidine at codon 149 of the APC protein. Computational prediction suggests that this variant may not impact protein structure and function (internally defined REVEL score threshold <= 0.5, PMID: 27666373). Splice site prediction tools suggest that this variant may not impact RNA splicing. To our knowledge, functional studies have not been performed for this variant. This variant has not been reported in individuals affected with hereditary cancer in the literature. This variant has been identified in 1/246624 chromosomes in the general population by the Genome Aggregation Database (gnomAD). The available evidence is insufficient to determine the role of this variant in disease conclusively. Therefore, this variant is classified as a Variant of Uncertain Significance.

This study involves interpretation of variants in research participants for the purpose of population health screening. Participant phenotype was not available at the time of variant classification. Additional details can be found in publication PMID: 35346344, PMCID: PMC8962531

NM_000038.6(APC):c.445G>C (p.Asp149His)

Gene: APC (APC regulator of Wnt signaling pathway; plus strand). Cytogenetic location: 5q22.2.
Variant type: single nucleotide variant.
Coding change: c.445G>C on transcript NM_000038.6 (MANE Select); coding-DNA position 445, G replaced by C.
Protein change: p.Asp149His; replaces aspartic acid 149 with histidine.
Molecular consequence: missense variant. On other transcripts: 5 prime UTR variant (1).
Genome position (GRCh38, 1-based): chr5:112,775,651, G>C. VCF-style: chr5-112775651-G-C. GRCh37 (hg19) VCF-style: chr5-112111348-G-C.
Other names: c.445G>C, p.Asp149His (NM_001127510.3, NM_001354895.2, NM_001354896.2 and 2 more transcripts); c.475G>C, p.Asp159His (NM_001127511.3, NM_001354897.2, NM_001354902.2); c.370G>C, p.Asp124His (NM_001354898.2, NM_001354904.2); c.268G>C, p.Asp90His (NM_001354900.2, NM_001354901.2, NM_001354905.2); c.-591G>C (NM_001354906.2); short protein forms D159H, D149H, D124H, D90H.
Identifiers: ClinVar variation 485141 (VCV000485141.24), dbSNP rs767875993, ClinGen allele CA039127.